The following is an entry in ClinVar:

ClinVar aggregate classification (germline): Uncertain significance. Review status: criteria provided, multiple submitters, no conflicts (2 of 4 stars). 2 submissions from 2 submitters: Uncertain significance (2). Last evaluated 2025-04-13.

Conditions:
Cardiovascular phenotype. Identifiers: MedGen CN230736.
Primary dilated cardiomyopathy (DCM). Also called: Dilated Cardiomyopathy. Identifiers: Orphanet 217604, MedGen C0007193, MeSH D002311, MONDO:0005021, HP:0001644. Inheritance: Various modes of inheritance.

Allele frequency attached by ClinVar (database versions not stated): gnomAD exomes below 0.00001; TOPMed 0.00002.
gnomAD v4.1: 1 of 1,562,296 alleles (0.000064%); highest among the groups gnomAD compares: Non-Finnish European, 0.000087%; no homozygotes.

Submissions (2):

Ambry Genetics
Classification: Uncertain significance for Cardiovascular phenotype. Last evaluated: 2025-04-13. Review status: criteria provided, single submitter. Criteria: Ambry Variant Classification Scheme 2023. Collection method: clinical testing. Allele origin: germline.
Comment: The p.L231P variant (also known as c.692T>C), located in coding exon 10 of the TXNRD2 gene, results from a T to C substitution at nucleotide position 692. The leucine at codon 231 is replaced by proline, an amino acid with similar properties. This amino acid position is conserved. In addition, this alteration is predicted to be deleterious by in silico analysis. Based on the available evidence, the clinical significance of this variant remains unclear.

Labcorp Genetics (formerly Invitae), Labcorp
Classification: Uncertain significance for Primary dilated cardiomyopathy. Last evaluated: 2022-07-16. Review status: criteria provided, single submitter. Criteria: Invitae Variant Classification Sherloc (09022015). Collection method: clinical testing. Allele origin: germline.
Comment: This sequence change replaces leucine, which is neutral and non-polar, with proline, which is neutral and non-polar, at codon 231 of the TXNRD2 protein (p.Leu231Pro). This variant is not present in population databases (gnomAD no frequency). This variant has not been reported in the literature in individuals affected with TXNRD2-related conditions. Algorithms developed to predict the effect of missense changes on protein structure and function (SIFT, PolyPhen-2, Align-GVGD) all suggest that this variant is likely to be disruptive. In summary, the available evidence is currently insufficient to determine the role of this variant in disease. Therefore, it has been classified as a Variant of Uncertain Significance.

NM_006440.5(TXNRD2):c.692T>C (p.Leu231Pro)

Gene: TXNRD2 (thioredoxin reductase 2; minus strand). Cytogenetic location: 22q11.21.
Variant type: single nucleotide variant.
Coding change: c.692T>C on transcript NM_006440.5 (MANE Select); coding-DNA position 692, T replaced by C.
Protein change: p.Leu231Pro; replaces leucine 231 with proline.
Molecular consequence: missense variant. On other transcripts: non-coding transcript variant (1).
Genome position (GRCh38, 1-based): chr22:19,898,121, A>G on the plus strand (T>C on the coding strand, the complement: TXNRD2 is on the minus strand). VCF-style: chr22-19898121-A-G. GRCh37 (hg19) VCF-style: chr22-19885644-A-G.
Other names: c.692T>C, p.Leu231Pro (NM_001282512.3); c.689T>C, p.Leu230Pro (NM_001352300.2); c.602T>C, p.Leu201Pro (NM_001352301.2); c.404T>C, p.Leu135Pro (NM_001352302.2); c.596T>C, p.Leu199Pro (NM_001352303.2); short protein forms L231P, L199P, L201P, L135P, L230P.
Identifiers: ClinVar variation 2195978 (VCV002195978.5), dbSNP rs866667235, ClinGen allele CA322099882.